The following is an entry in ClinVar:

NM_002894.3(RBBP8):c.1055A>C (p.Gln352Pro)

Gene: RBBP8 (RB binding protein 8, endonuclease; plus strand). Cytogenetic location: 18q11.2.
Variant type: single nucleotide variant.
Coding change: c.1055A>C on transcript NM_002894.3 (MANE Select); coding-DNA position 1055, A replaced by C.
Protein change: p.Gln352Pro; replaces glutamine 352 with proline.
Molecular consequence: missense variant.
Genome position (GRCh38, 1-based): chr18:22,992,882, A>C. VCF-style: chr18-22992882-A-C. GRCh37 (hg19) VCF-style: chr18-20572845-A-C.
Other names: c.1055A>C, p.Gln352Pro (NM_203291.2, NM_203292.2); c.1055A>C (NM_002894.2); short protein forms Q352P.
Identifiers: ClinVar variation 1416437 (VCV001416437.8), dbSNP rs780198609, ClinGen allele CA8910009.

ClinVar aggregate classification (germline): Uncertain significance. Review status: criteria provided, multiple submitters, no conflicts (2 of 4 stars). 3 submissions from 3 submitters: Uncertain significance (3). Last evaluated 2025-03-18.

Allele frequency attached by ClinVar (database versions not stated): gnomAD 0.00002 and 0.00003; TOPMed 0.00002; ExAC 0.00003.
gnomAD v4.1: 65 of 1,613,854 alleles (0.004%); highest among the groups gnomAD compares: Middle Eastern, 0.082%; 1 homozygote.

Submissions (3):

GeneDx
Classification: Uncertain significance. Last evaluated: 2025-03-18. Review status: criteria provided, single submitter. Criteria: GeneDx Variant Classification Process June 2021. Collection method: clinical testing. Allele origin: germline. Affected: yes.
Comment: Reported in a cohort of patients with breast or ovarian cancer; however, no detailed clinical information was provided (PMID: 32379725); In silico analysis indicates that this missense variant does not alter protein structure/function; This variant is associated with the following publications: (PMID: 32379725)

Labcorp Genetics (formerly Invitae), Labcorp
Classification: Uncertain significance. Last evaluated: 2024-10-15. Review status: criteria provided, single submitter. Criteria: Invitae Variant Classification Sherloc (09022015). Collection method: clinical testing. Allele origin: germline.
Comment: This sequence change replaces glutamine, which is neutral and polar, with proline, which is neutral and non-polar, at codon 352 of the RBBP8 protein (p.Gln352Pro). This variant is present in population databases (rs780198609, gnomAD 0.03%). This variant has not been reported in the literature in individuals affected with RBBP8-related conditions. ClinVar contains an entry for this variant (Variation ID: 1416437). Invitae Evidence Modeling of protein sequence and biophysical properties (such as structural, functional, and spatial information, amino acid conservation, physicochemical variation, residue mobility, and thermodynamic stability) indicates that this missense variant is not expected to disrupt RBBP8 protein function with a negative predictive value of 80%. In summary, the available evidence is currently insufficient to determine the role of this variant in disease. Therefore, it has been classified as a Variant of Uncertain Significance.

Breakthrough Genomics
Classification: Uncertain significance. Review status: criteria provided, single submitter. Criteria: ACMG Guidelines, 2015. Collection method: not provided. Allele origin: germline. Inheritance: Autosomal recessive inheritance. Affected: yes.